The following is an entry in ClinVar:

NM_000051.4(ATM):c.271C>T (p.Gln91Ter)

Gene: ATM (ATM serine/threonine kinase; plus strand). Cytogenetic location: 11q22.3.
Variant type: single nucleotide variant.
Coding change: c.271C>T on transcript NM_000051.4 (MANE Select); coding-DNA position 271, C replaced by T.
Protein change: p.Gln91Ter; replaces glutamine 91 with a stop codon.
Molecular consequence: nonsense.
Genome position (GRCh38, 1-based): chr11:108,229,263, C>T. VCF-style: chr11-108229263-C-T. GRCh37 (hg19) VCF-style: chr11-108099990-C-T.
Other names: c.271C>T, p.Gln91Ter (NM_001351834.2, NM_001351835.2, NM_001351836.2); short protein forms Q91*.
Identifiers: ClinVar variation 964212 (VCV000964212.10), dbSNP rs2078888769, ClinGen allele CA382521635.

ClinVar aggregate classification (germline): Pathogenic. Review status: criteria provided, multiple submitters, no conflicts (2 of 4 stars). 2 submissions from 2 submitters: Pathogenic (2). Last evaluated 2025-10-30.

Conditions:
Hereditary cancer-predisposing syndrome. Also called: Hereditary neoplastic syndrome; Tumor predisposition; Neoplastic Syndromes, Hereditary; Hereditary Cancer Syndrome. Identifiers: Orphanet 140162, MedGen C0027672, MeSH D009386, MONDO:0015356.
Ataxia-telangiectasia syndrome (AT). Also called: AT, COMPLEMENTATION GROUP C; Ataxia telangiectasia (A-T); Cerebello-oculocutaneous telangiectasia; Immunodeficiency with ataxia telangiectasia; LOUIS-BAR SYNDROME; Ataxia-telangiectasia. Identifiers: Orphanet 100, MedGen C0004135, MONDO:0008840, OMIM 208900.

Submissions (2):

Ambry Genetics
Classification: Pathogenic for Hereditary cancer-predisposing syndrome. Last evaluated: 2025-10-30. Review status: criteria provided, single submitter. Criteria: Ambry Variant Classification Scheme 2023. Collection method: clinical testing. Allele origin: germline.
Comment: The p.Q91* pathogenic mutation (also known as c.271C>T), located in coding exon 3 of the ATM gene, results from a C to T substitution at nucleotide position 271. This changes the amino acid from a glutamine to a stop codon within coding exon 3. This variant has been identified in the homozygous state and/or in conjunction with other ATM variant(s) in individual(s) with features consistent with Ataxia-telangiectasia (M&eacute;neret A et al. Neurology, 2014 Sep;83:1087-95, Elitzur S et al. Blood, 2024 Sep;144:1193-1205, Kim J et al. Nature, 2023 Jul;619:828-836, Berland A et al. J Allergy Clin Immunol, 2019 Jan;143:325-334.e2, Micol R et al. J Allergy Clin Immunol, 2011 Aug;128:382-9.e1). This variant is considered to be rare based on population cohorts in the Genome Aggregation Database (gnomAD). This alteration is expected to result in loss of function by premature protein truncation or nonsense-mediated mRNA decay. As such, this alteration is interpreted as a disease-causing mutation.

Labcorp Genetics (formerly Invitae), Labcorp
Classification: Pathogenic for Ataxia-telangiectasia syndrome. Last evaluated: 2023-12-19. Review status: criteria provided, single submitter. Criteria: Invitae Variant Classification Sherloc (09022015). Collection method: clinical testing. Allele origin: germline.
Comment: This sequence change creates a premature translational stop signal (p.Gln91*) in the ATM gene. It is expected to result in an absent or disrupted protein product. Loss-of-function variants in ATM are known to be pathogenic (PMID: 23807571, 25614872). This variant is not present in population databases (gnomAD no frequency). This premature translational stop signal has been observed in individual(s) with clinical features of ataxia-telangiectasia (PMID: 25122203). ClinVar contains an entry for this variant (Variation ID: 964212). For these reasons, this variant has been classified as Pathogenic.

Literature cited by the submitters: PubMed 21665257 (cited by Ambry Genetics); PubMed 25122203 (cited by Ambry Genetics and Labcorp Genetics (formerly Invitae), Labcorp); PubMed 29906526 (cited by Ambry Genetics); PubMed 37438524 (cited by Ambry Genetics); PubMed 38917355 (cited by Ambry Genetics); PubMed 23807571 (cited by Labcorp Genetics (formerly Invitae), Labcorp); PubMed 25614872 (cited by Labcorp Genetics (formerly Invitae), Labcorp).